The following is an entry in ClinVar:

ClinVar aggregate classification (germline): Uncertain significance. Review status: criteria provided, multiple submitters, no conflicts (2 of 4 stars). 4 submissions from 4 submitters: Uncertain significance (3). 1 of the submissions does not count toward it. Last evaluated 2025-11-12.

Conditions:
Amyotrophic lateral sclerosis type 1 (ALS1). Also called: AMYOTROPHIC LATERAL SCLEROSIS 1, FAMILIAL. Identifiers: Orphanet 803, MedGen C1862939, MONDO:0007103, OMIM 105400.
Perry syndrome. Also called: PARKINSONISM WITH ALVEOLAR HYPOVENTILATION AND MENTAL DEPRESSION. Identifiers: Orphanet 178509, MedGen C1868594, MONDO:0008201, OMIM 168605.
Neuronopathy, distal hereditary motor, type 7B. Also called: Distal Hereditary Motor Neuronopathy Type 7B (dHMN7B); NEURONOPATHY, DISTAL HEREDITARY MOTOR, AUTOSOMAL DOMINANT 14; NEURONOPATHY, DISTAL HEREDITARY MOTOR, HARDING TYPE VIIB; NEUROPATHY, DISTAL HEREDITARY MOTOR, HARDING TYPE VIIB; NEUROPATHY, DISTAL HEREDITARY MOTOR, WITH VOCAL CORD PARALYSIS, HARDING TYPE VIIB; HMN VIIB. Identifiers: Orphanet 139589, MedGen C1843315, MONDO:0011879, OMIM 607641.
DCTN1-related disorder. Also called: DCTN1-related condition.
Inborn genetic diseases. Identifiers: MedGen C0950123, MeSH D030342.

Allele frequency attached by ClinVar (database versions not stated): ExAC 0.00001; gnomAD exomes 0.00002 and 0.00013; gnomAD 0.00003; TOPMed 0.00004.
gnomAD v4.1: 195 of 1,614,054 alleles (0.012%); highest among the groups gnomAD compares: Non-Finnish European, 0.016%; no homozygotes.

Submissions (4):

Labcorp Genetics (formerly Invitae), Labcorp
Classification: Uncertain significance for Amyotrophic lateral sclerosis type 1; Neuronopathy, distal hereditary motor, type 7B; Perry syndrome. Last evaluated: 2025-11-12. Review status: criteria provided, single submitter. Criteria: Invitae Variant Classification Sherloc (09022015). Collection method: clinical testing. Allele origin: germline.
Comment: This sequence change replaces lysine, which is basic and polar, with arginine, which is basic and polar, at codon 985 of the DCTN1 protein (p.Lys985Arg). This variant is present in population databases (rs751782015, gnomAD 0.004%). This missense change has been observed in individual(s) with clinical features of DCTN1-related conditions (internal data). ClinVar contains an entry for this variant (Variation ID: 1496799). Invitae Evidence Modeling of protein sequence and biophysical properties (such as structural, functional, and spatial information, amino acid conservation, physicochemical variation, residue mobility, and thermodynamic stability) indicates that this missense variant is not expected to disrupt DCTN1 protein function with a negative predictive value of 95%. In summary, the available evidence is currently insufficient to determine the role of this variant in disease. Therefore, it has been classified as a Variant of Uncertain Significance.

Ambry Genetics
Classification: Uncertain significance for Inborn genetic diseases. Last evaluated: 2024-12-16. Review status: criteria provided, single submitter. Criteria: Ambry Variant Classification Scheme 2023. Collection method: clinical testing. Allele origin: germline.

GeneDx
Classification: Uncertain significance. Last evaluated: 2024-01-12. Review status: criteria provided, single submitter. Criteria: GeneDx Variant Classification Process June 2021. Collection method: clinical testing. Allele origin: germline. Affected: yes.
Comment: In silico analysis supports that this missense variant does not alter protein structure/function; Has not been previously published as pathogenic or benign to our knowledge

PreventionGenetics, part of Exact Sciences
Classification: Uncertain significance for DCTN1-related condition. Last evaluated: 2024-02-13. Review status: no assertion criteria provided. Collection method: clinical testing. Allele origin: germline. Not counted in ClinVar's aggregate classification.
Comment: The DCTN1 c.2954A>G variant is predicted to result in the amino acid substitution p.Lys985Arg. To our knowledge, this variant has not been reported in the literature. This variant is reported in 0.0044% of alleles in individuals of European (Non-Finnish) descent in gnomAD. At this time, the clinical significance of this variant is uncertain due to the absence of conclusive functional and genetic evidence.

NM_004082.5(DCTN1):c.2954A>G (p.Lys985Arg)

Gene: DCTN1 (dynactin subunit 1; minus strand). Cytogenetic location: 2p13.1.
Variant type: single nucleotide variant.
Coding change: c.2954A>G on transcript NM_004082.5 (MANE Select); coding-DNA position 2954, A replaced by G.
Protein change: p.Lys985Arg; replaces lysine 985 with arginine.
Molecular consequence: missense variant. On other transcripts: non-coding transcript variant (1).
Genome position (GRCh38, 1-based): chr2:74,365,590, T>C on the plus strand (A>G on the coding strand, the complement: DCTN1 is on the minus strand). VCF-style: chr2-74365590-T-C. GRCh37 (hg19) VCF-style: chr2-74592717-T-C.
Other names: c.2894A>G, p.Lys965Arg (NM_001135040.3); c.2552A>G, p.Lys851Arg (NM_001135041.3, NM_023019.4); c.2843A>G, p.Lys948Arg (NM_001190836.2); c.2933A>G, p.Lys978Arg (NM_001190837.2); c.2903A>G, p.Lys968Arg (NM_001378991.1); c.2885A>G, p.Lys962Arg (NM_001378992.1); c.2954A>G (NM_004082.4); short protein forms K948R, K968R, K851R, K962R, K978R, K965R, K985R.
Identifiers: ClinVar variation 1496799 (VCV001496799.10), dbSNP rs751782015, ClinGen allele CA1721666.
Genomic context (GRCh38, chr2:74,365,590, plus strand): 5'-AGCAGTGCCTGGGTCTCCTCCAGCCGAGTCTGGACTTTCTCGATGCGCTCATCTGCATCC[T>C]TGGCAGCACTGTCCAACTTCTTCTCCAGGAGGCTCAGCCGCACATTGGCCTCACTTAGCT-3'
Protein context (NP_004073.2, residues 975-995): LLEKKLDSAA[Lys985Arg]DADERIEKVQ